The following is an entry in ClinVar:

ClinVar aggregate classification (germline): Pathogenic/Likely pathogenic. Review status: criteria provided, multiple submitters, no conflicts (2 of 4 stars). 2 submissions from 2 submitters: Pathogenic (1); Likely pathogenic (1). Last evaluated 2026-01-06.

Conditions:
Early-infantile DEE. Also called: Early infantile epileptic encephalopathy with suppression bursts; Early infantile epileptic encephalopathy; Ohtahara syndrome. Identifiers: Orphanet 1934, MedGen C0393706, MONDO:0800491.

Submissions (2):

GeneDx
Classification: Likely pathogenic. Last evaluated: 2026-01-06. Review status: criteria provided, single submitter. Criteria: GeneDx Variant Classification Process June 2021. Collection method: clinical testing. Allele origin: germline. Affected: yes.
Comment: Reported previously in a patient with severe intellectual disability and multiple seizures types (PMID: 31273778); Reported previously in a cohort of patients undergoing testing for epilepsy; however, no specific clinical information was provided (PMID: 34926809); Not observed at significant frequency in large population cohorts (gnomAD); In silico analysis supports that this missense variant has a deleterious effect on protein structure/function; This substitution is predicted to be within the extracellular loop between the S5 and S6 transmembrane segments of the second homologous domain; This variant is associated with the following publications: (PMID: 32347949, 31273778, 34926809)

Labcorp Genetics (formerly Invitae), Labcorp
Classification: Pathogenic for Early-infantile DEE. Last evaluated: 2024-05-20. Review status: criteria provided, single submitter. Criteria: Invitae Variant Classification Sherloc (09022015). Collection method: clinical testing. Allele origin: germline.
Comment: This sequence change replaces glutamine, which is neutral and polar, with arginine, which is basic and polar, at codon 910 of the SCN1A protein (p.Gln910Arg). This variant is not present in population databases (gnomAD no frequency). This missense change has been observed in individuals with autosomal dominant SCN1A-related conditions (PMID: 31273778; Invitae). ClinVar contains an entry for this variant (Variation ID: 422367). Advanced modeling of protein sequence and biophysical properties (such as structural, functional, and spatial information, amino acid conservation, physicochemical variation, residue mobility, and thermodynamic stability) performed at Invitae indicates that this missense variant is expected to disrupt SCN1A protein function with a positive predictive value of 95%. This variant disrupts the p.Gln910 amino acid residue in SCN1A. Other variant(s) that disrupt this residue have been observed in individuals with SCN1A-related conditions (PMID: 24168886, 28012175), which suggests that this may be a clinically significant amino acid residue. For these reasons, this variant has been classified as Pathogenic.

Literature cited by the submitters: PubMed 31273778 (cited by Labcorp Genetics (formerly Invitae), Labcorp); PubMed 24168886 (cited by Labcorp Genetics (formerly Invitae), Labcorp); PubMed 28012175 (cited by Labcorp Genetics (formerly Invitae), Labcorp).

NM_001165963.4(SCN1A):c.2729A>G (p.Gln910Arg)

Gene: SCN1A (sodium voltage-gated channel alpha subunit 1; minus strand). Cytogenetic location: 2q24.3.
Variant type: single nucleotide variant.
Coding change: c.2729A>G on transcript NM_001165963.4 (MANE Select); coding-DNA position 2729, A replaced by G.
Protein change: p.Gln910Arg; replaces glutamine 910 with arginine.
Molecular consequence: missense variant. On other transcripts: non-coding transcript variant (1).
Genome position (GRCh38, 1-based): chr2:166,037,993, T>C on the plus strand (A>G on the coding strand, the complement: SCN1A is on the minus strand). VCF-style: chr2-166037993-T-C. GRCh37 (hg19) VCF-style: chr2-166894503-T-C.
Other names: c.2645A>G, p.Gln882Arg (NM_001165964.3, NM_001353957.2, NM_001353958.2); c.2729A>G, p.Gln910Arg (NM_001202435.3, NM_001353948.2); c.2696A>G, p.Gln899Arg (NM_001353949.2, NM_001353950.2, NM_001353951.2 and 2 more transcripts); c.2693A>G, p.Gln898Arg (NM_001353954.2, NM_001353955.2); c.2642A>G, p.Gln881Arg (NM_001353960.2); c.287A>G, p.Gln96Arg (NM_001353961.2); short protein forms Q899R, Q910R, Q882R, Q881R, Q898R, Q96R.
Identifiers: ClinVar variation 422367 (VCV000422367.11), dbSNP rs1064795735, ClinGen allele CA16617303.